The following is an entry in ClinVar:

GRCh37/hg19 16q24.3(chr16:90016428-90030233)x3

Gene: DEF8 (differentially expressed in FDCP 8 homolog; plus strand). Cytogenetic location: 16q24.3.
Variant type: copy number gain.
Change: copy number 3 (three copies instead of two) of chr16:90,016,428-90,030,233 (13.8 kb, GRCh37 coordinates, 1-based), cytogenetic band 16q24.3.
Identifiers: ClinVar variation 394978 (VCV000394978.3).

ClinVar aggregate classification (germline): Benign/Likely benign (0 of 4 stars; one submission).

Submission:

ISCA Site 6
Classification: Benign/Likely benign. Review status: no assertion criteria provided. Collection method: clinical testing. Allele origin: unknown. Affected: yes. Observed: 2 variant alleles.
Comment: Likely benign (1), Benign (1)

Copy number variation identified through the course of routine clinical cytogenomic testing in postnatal populations, with clinical assertions as classified by the original submitter. For data from the original published study, Kaminsky, et al. 2011 (PubMed 21844811), please see nstd101.